The following is an entry in ClinVar:

ClinVar aggregate classification (germline): Uncertain significance (1 of 4 stars; one submission).

gnomAD v4.1: 20 of 1,515,244 alleles (0.0013%); highest among the groups gnomAD compares: South Asian, 0.012%; no homozygotes.

Submission:

Ambry Genetics
Classification: Uncertain significance. Last evaluated: 2024-09-03. Review status: criteria provided, single submitter. Criteria: Ambry Variant Classification Scheme 2023. Collection method: clinical testing. Allele origin: germline.
Comment: The c.2209C>T (p.R737C) alteration is located in exon (coding exon ) of the SH3RF3 gene. This alteration results from a C to T substitution at nucleotide position 2209, causing the arginine (R) at amino acid position 737 to be replaced by a cysteine (C). Based on insufficient or conflicting evidence, the clinical significance of this alteration remains unclear.

NM_001099289.3(SH3RF3):c.2209C>T (p.Arg737Cys)

Genes: RANBP2 (RAN binding protein 2; plus strand), SH3RF3 (SH3 domain containing ring finger 3; plus strand). Cytogenetic location: 2q13.
Variant type: single nucleotide variant.
Coding change: c.2209C>T on transcript NM_001099289.3 (MANE Select); coding-DNA position 2209, C replaced by T.
Protein change: p.Arg737Cys; replaces arginine 737 with cysteine.
Molecular consequence: missense variant.
Genome position (GRCh38, 1-based): chr2:109,490,665, C>T. VCF-style: chr2-109490665-C-T. GRCh37 (hg19) VCF-style: chr2-110107121-C-T.
Other names: short protein forms R737C.
Identifiers: ClinVar variation 3441117 (VCV003441117.1).